The following is an entry in ClinVar:

NM_000051.4(ATM):c.7370_7371del (p.Glu2457fs)

Genes: ATM (ATM serine/threonine kinase; plus strand), C11orf65 (chromosome 11 open reading frame 65; minus strand). Cytogenetic location: 11q22.3.
Variant type: Microsatellite.
Coding change: c.7370_7371del on transcript NM_000051.4 (MANE Select); coding-DNA positions 7370 to 7371, 2 bases deleted (AG; older notation c.7370_7371delAG).
Protein change: p.Glu2457fs; shifts the reading frame from glutamic acid 2457.
Molecular consequence: frameshift variant. On other transcripts: intron variant (2).
Genome position (GRCh38, 1-based): chr11:108,330,276-108,330,277, AG deleted; deleting any 2 consecutive bases within chr11:108,330,274-108,330,277 gives the same sequence; the c. name uses the placement nearest the transcript's 3' end. VCF-style (leftmost placement, unchanged base first): chr11-108330273-AAG-A. GRCh37 (hg19) VCF-style: chr11-108201000-AAG-A.
Other names: c.7370_7371delAG (NM_000051.3); c.7370_7371del, p.Glu2457fs (NM_001351834.2); c.641-21204_641-21203del (NM_001330368.2); c.*38+4945_*38+4946del (NM_001351110.2); short protein forms E2457fs.
Identifiers: ClinVar variation 826996 (VCV000826996.13), dbSNP rs1591160284, ClinGen allele CA915948282.
Genomic context (GRCh38, chr11:108,330,273, plus strand): 5'-GATACACAGTAAAGGTTCAGCGAGAGCTGGAGTTGGATGAATTAGCCCTGCGTGCACTGA[AAG>A]AGGATCGTAAACGCTTCTTATGTAAAGCAGTTGAAAATTATATCAACTGCTTATTAAGTG-3'

ClinVar aggregate classification (germline): Pathogenic. Review status: criteria provided, multiple submitters, no conflicts (2 of 4 stars). 3 submissions from 3 submitters: Pathogenic (3). Last evaluated 2025-05-22.

Conditions:
Hereditary cancer-predisposing syndrome. Also called: Tumor predisposition; Neoplastic Syndromes, Hereditary; Hereditary Cancer Syndrome; Hereditary neoplastic syndrome. Identifiers: Orphanet 140162, MedGen C0027672, MeSH D009386, MONDO:0015356.
Familial cancer of breast. Also called: Hereditary breast cancer; BREAST CANCER, FAMILIAL; hereditary breast carcinoma. Identifiers: Orphanet 227535, MedGen C0346153, MONDO:0016419, OMIM 114480. Disease mechanism: loss of function.
Ataxia-telangiectasia syndrome (AT). Also called: ATAXIA-TELANGIECTASIA, COMPLEMENTATION GROUP A; ATAXIA-TELANGIECTASIA, FRESNO VARIANT; Ataxia-telangiectasia; Ataxia-telangiectasia, complementation group D; AT, COMPLEMENTATION GROUP C; Ataxia-telangiectasia, complementation group E. Identifiers: Orphanet 100, MedGen C0004135, MONDO:0008840, OMIM 208900.

Submissions (3):

Ambry Genetics
Classification: Pathogenic for Hereditary cancer-predisposing syndrome. Last evaluated: 2025-05-22. Review status: criteria provided, single submitter. Criteria: Ambry Variant Classification Scheme 2023. Collection method: clinical testing. Allele origin: germline.
Comment: The c.7370_7371delAG pathogenic mutation, located in coding exon 49 of the ATM gene, results from a deletion of two nucleotides at nucleotide positions 7370 to 7371, causing a translational frameshift with a predicted alternate stop codon (p.E2457Gfs*3). This variant is considered to be rare based on population cohorts in the Genome Aggregation Database (gnomAD). This alteration is expected to result in loss of function by premature protein truncation or nonsense-mediated mRNA decay. As such, this alteration is interpreted as a disease-causing mutation. This nucleotide position is well conserved in available vertebrate species.

Myriad Genetics, Inc.
Classification: Pathogenic for Familial cancer of breast. Last evaluated: 2024-08-13. Review status: criteria provided, single submitter. Criteria: Myriad Autosomal Dominant, Autosomal Recessive and X-Linked Classification Criteria (2023). Collection method: clinical testing. Allele origin: unknown.
Comment: This variant is considered pathogenic. This variant creates a frameshift predicted to result in premature protein truncation.

Labcorp Genetics (formerly Invitae), Labcorp
Classification: Pathogenic for Ataxia-telangiectasia syndrome. Last evaluated: 2023-03-14. Review status: criteria provided, single submitter. Criteria: Invitae Variant Classification Sherloc (09022015). Collection method: clinical testing. Allele origin: germline.
Comment: For these reasons, this variant has been classified as Pathogenic. Algorithms developed to predict the effect of sequence changes on RNA splicing suggest that this variant may disrupt the consensus splice site. ClinVar contains an entry for this variant (Variation ID: 826996). This variant has not been reported in the literature in individuals affected with ATM-related conditions. This variant is not present in population databases (gnomAD no frequency). This sequence change creates a premature translational stop signal (p.Glu2457Glyfs*3) in the ATM gene. It is expected to result in an absent or disrupted protein product. Loss-of-function variants in ATM are known to be pathogenic (PMID: 23807571, 25614872).

Literature cited by the submitters: PubMed 23807571 (cited by Labcorp Genetics (formerly Invitae), Labcorp); PubMed 25614872 (cited by Labcorp Genetics (formerly Invitae), Labcorp).